The following is an entry in ClinVar:

NM_001080414.4(CCDC88C):c.3010AAG[1] (p.Lys1005del)

Gene: CCDC88C (coiled-coil and HOOK domain protein 88C; minus strand). Cytogenetic location: 14q32.11.
Variant type: Microsatellite.
Coding change: c.3010AAG[1] on transcript NM_001080414.4 (MANE Select); one copy of the 3-base unit AAG starting at c.3010; the reference has two copies in a row; one copy, 3 bases deleted.
Protein change: p.Lys1005del; deletes lysine 1005.
Molecular consequence: inframe deletion. On other transcripts: non-coding transcript variant (2).
Genome position (GRCh38, 1-based): chr14:91,307,218-91,307,220, CTT deleted on the plus strand (AAG on the coding strand, the reverse complement: CCDC88C is on the minus strand); deleting any 3 consecutive bases within chr14:91,307,218-91,307,223 gives the same sequence; the position shown is the placement nearest the transcript's 3' end. VCF-style (leftmost placement, unchanged base first): chr14-91307217-CCTT-C. GRCh37 (hg19) VCF-style: chr14-91773561-CCTT-C.
Other names: short protein forms K1005del.
Identifiers: ClinVar variation 5004051 (VCV005004051.1).
Genomic context (GRCh38, chr14:91,307,217, plus strand): 5'-GCTTGAAAGAGTTCTGCAAGTGCTGCCCCTCTCCCTGGTTCTGCCTGAGGGTCTCACACT[CCTT>C]CTTTAGCTACAGGTGTGACAATAAGCAAGGAGGCTTTAGGCGGAAGCAGCCTGGCCTGGA-3'

ClinVar aggregate classification (germline): Uncertain significance (1 of 4 stars; one submission).

Conditions:
Hydrocephalus, nonsyndromic, autosomal recessive 1 (HYC1). Also called: Congenital hydrocephalus 1; Hydrocephalus, nonsyndromic, autosomal recessive. Identifiers: Orphanet 2185, MedGen C3887608, MONDO:0009360, OMIM 236600.

Submission:

Myriad Genetics, Inc.
Classification: Uncertain significance for Hydrocephalus, nonsyndromic, autosomal recessive 1. Last evaluated: 2025-07-31. Review status: criteria provided, single submitter. Criteria: Myriad Autosomal Dominant, Autosomal Recessive and X-Linked Classification Criteria (2023). Collection method: clinical testing. Allele origin: unknown.
Comment: NM_001080414.3(CCDC88C):c.3013_3015delAAG(K1005del) is an in-frame deletion classified as a variant of uncertain significance in the context of congenital hydrocephalus, CCDC88C-related. K1005del has not been observed in cases with relevant disease. Relevant functional assessments of this variant are not available in the literature. K1005del has been observed in referenced population frequency databases. In summary, there is insufficient evidence to classify NM_001080414.3(CCDC88C):c.3013_3015delAAG(K1005del) as pathogenic or benign. Please note: this variant was assessed in the context of healthy population screening.